The following is an entry in ClinVar:

ClinVar aggregate classification (germline): Pathogenic (1 of 4 stars; one submission).

Conditions:
Glycogen storage disease IXb (GSD9B). Also called: GLYCOGENOSIS OF LIVER AND MUSCLE, AUTOSOMAL RECESSIVE; GSD IXb; PHOSPHORYLASE KINASE DEFICIENCY OF LIVER AND MUSCLE, AUTOSOMAL RECESSIVE. Identifiers: Orphanet 79240, MedGen C0543514, MONDO:0009868, OMIM 261750.

Submission:

Labcorp Genetics (formerly Invitae), Labcorp
Classification: Pathogenic for Glycogen storage disease IXb. Last evaluated: 2023-11-06. Review status: criteria provided, single submitter. Criteria: Invitae Variant Classification Sherloc (09022015). Collection method: clinical testing. Allele origin: germline.
Comment: This sequence change creates a premature translational stop signal (p.Ile543Tyrfs*3) in the PHKB gene. It is expected to result in an absent or disrupted protein product. Loss-of-function variants in PHKB are known to be pathogenic (PMID: 9215682, 9326319). This variant is not present in population databases (gnomAD no frequency). This variant has not been reported in the literature in individuals affected with PHKB-related conditions. For these reasons, this variant has been classified as Pathogenic.

Literature cited by the submitters: PubMed 9215682; PubMed 9326319.

NM_000293.3(PHKB):c.1622dup (p.Ile543fs)

Gene: PHKB (phosphorylase kinase regulatory subunit beta; plus strand). Cytogenetic location: 16q12.1.
Variant type: Duplication.
Coding change: c.1622dup on transcript NM_000293.3 (MANE Select); coding-DNA position 1622, one base duplicated (T; older notation c.1622dupT).
Protein change: p.Ile543fs; shifts the reading frame from isoleucine 543.
Molecular consequence: frameshift variant.
Genome position (GRCh38, 1-based): chr16:47,648,546, T duplicated. VCF-style (leftmost placement, unchanged base first): chr16-47648545-C-CT. GRCh37 (hg19) VCF-style: chr16-47682456-C-CT.
Other names: c.1601dup, p.Ile536fs (NM_001031835.3); c.1622dup, p.Ile543fs (NM_001363837.1); short protein forms I536fs, I543fs.
Identifiers: ClinVar variation 2693660 (VCV002693660.3), dbSNP rs2506564729, ClinGen allele CA2697555793.
Genomic context (GRCh38, chr16:47,648,545, plus strand): 5'-TGACATGGATTCTTACCTGACTCTAATTTACAAACTTGTGTCTTACAGGCTTATTTGCAG[C>CT]TGGGTATCAATGAAAAGTTAGGACTCTCTGGAAGGCCAGACAGGCCCATTGGCTGCCTCG-3'